The following is an entry in ClinVar:

ClinVar aggregate classification (germline): Benign. Review status: criteria provided, multiple submitters, no conflicts (2 of 4 stars). 2 submissions from 2 submitters: Benign (2). Last evaluated 2018-06-16.

Allele frequency attached by ClinVar (database versions not stated): gnomAD 0.26786 and 0.27255; TOPMed 0.26918; 1000 Genomes Project 30x 0.28810; 1000 Genomes Project 0.29133.
gnomAD v4.1: 41,232 of 151,816 alleles (27%); highest among the groups gnomAD compares: East Asian, 36%; 5,991 homozygotes.

Submissions (2):

GeneDx
Classification: Benign. Last evaluated: 2018-06-16. Review status: criteria provided, single submitter. Criteria: GeneDx Variant Classification (06012015). Collection method: clinical testing. Allele origin: germline. Affected: yes.
Comment: This variant is considered likely benign or benign based on one or more of the following criteria: it is a conservative change, it occurs at a poorly conserved position in the protein, it is predicted to be benign by multiple in silico algorithms, and/or has population frequency not consistent with disease.

Breakthrough Genomics
Classification: Benign. Review status: criteria provided, single submitter. Criteria: ACMG Guidelines, 2015. Collection method: not provided. Allele origin: germline. Inheritance: Autosomal recessive inheritance. Affected: yes.

NM_006031.6(PCNT):c.9624-190C>T

Gene: PCNT (pericentrin; plus strand). Cytogenetic location: 21q22.3.
Variant type: single nucleotide variant.
Coding change: c.9624-190C>T on transcript NM_006031.6 (MANE Select); 190 bases into the intron before coding-DNA position 9624, C replaced by T.
Molecular consequence: intron variant.
Genome position (GRCh38, 1-based): chr21:46,442,307, C>T. VCF-style: chr21-46442307-C-T. GRCh37 (hg19) VCF-style: chr21-47862220-C-T.
Other names: c.9033-190C>T (NM_001315529.2).
Identifiers: ClinVar variation 667802 (VCV000667802.2), dbSNP rs2839261, ClinGen allele CA14865611.